The following is an entry in ClinVar:

NM_031892.3(SH3KBP1):c.1586C>A (p.Ala529Glu)

Gene: SH3KBP1 (SH3 domain containing kinase binding protein 1; minus strand). Cytogenetic location: Xp22.12.
Variant type: single nucleotide variant.
Coding change: c.1586C>A on transcript NM_031892.3 (MANE Select); coding-DNA position 1586, C replaced by A.
Protein change: p.Ala529Glu; replaces alanine 529 with glutamic acid.
Molecular consequence: missense variant. On other transcripts: intron variant (5).
Genome position (GRCh38, 1-based): chrX:19,545,959, G>T on the plus strand (C>A on the coding strand, the complement: SH3KBP1 is on the minus strand). VCF-style: chrX-19545959-G-T. GRCh37 (hg19) VCF-style: chrX-19564077-G-T.
Other names: c.1475C>A, p.Ala492Glu (NM_001024666.3); c.872C>A, p.Ala291Glu (NM_001184960.2); c.1661C>A, p.Ala554Glu (NM_001353891.2); c.1484C>A, p.Ala495Glu (NM_001353893.2); c.1718C>A, p.Ala573Glu (NM_001410756.1); c.1495-3766C>A (NM_001353890.2); c.1570-3766C>A (NM_001353892.2); c.1393-3766C>A (NM_001353894.2); and 2 more; short protein forms A554E, A495E, A529E, A573E, A291E, A492E.
Identifiers: ClinVar variation 1948887 (VCV001948887.5), dbSNP rs747700708, ClinGen allele CA412496343.
Genomic context (GRCh38, chrX:19,545,959, plus strand): 5'-CCTCGCCATGGCTGGTGACTCACTTGGGATATGGTAACAGTCTTGGAAGTTTTCTTTGAC[G>T]CGTCCACTCCTCTGTGCGCAAGTGAAATGTGTTCCTCCTTATCCTCTTCGGGACTTGGGG-3'
Protein context (NP_114098.1, residues 519-539): HISLAHRGVD[Ala529Glu]SKKTSKTVTI

ClinVar aggregate classification (germline): Uncertain significance (1 of 4 stars; one submission).

Allele frequency attached by ClinVar (database versions not stated): TOPMed 0.00001.
gnomAD v4.1: 3 of 1,210,852 alleles (0.00025%); highest among the groups gnomAD compares: Non-Finnish European, 0.00034%; no homozygotes.

Submission:

Labcorp Genetics (formerly Invitae), Labcorp
Classification: Uncertain significance. Last evaluated: 2022-02-03. Review status: criteria provided, single submitter. Criteria: Invitae Variant Classification Sherloc (09022015). Collection method: clinical testing. Allele origin: germline.
Comment: This variant is not present in population databases (gnomAD no frequency). This sequence change replaces alanine, which is neutral and non-polar, with glutamic acid, which is acidic and polar, at codon 529 of the SH3KBP1 protein (p.Ala529Glu). This variant has not been reported in the literature in individuals affected with SH3KBP1-related conditions. Algorithms developed to predict the effect of missense changes on protein structure and function (SIFT, PolyPhen-2, Align-GVGD) all suggest that this variant is likely to be tolerated. In summary, the available evidence is currently insufficient to determine the role of this variant in disease. Therefore, it has been classified as a Variant of Uncertain Significance.